The following is an entry in ClinVar:

ClinVar aggregate classification (germline): Uncertain significance (1 of 4 stars; one submission).

Conditions:
Hereditary cancer-predisposing syndrome. Also called: Neoplastic Syndromes, Hereditary; Hereditary Cancer Syndrome; Hereditary neoplastic syndrome; Tumor predisposition. Identifiers: Orphanet 140162, MedGen C0027672, MeSH D009386, MONDO:0015356.

Submission:

Ambry Genetics
Classification: Uncertain significance for Hereditary cancer-predisposing syndrome. Last evaluated: 2023-03-19. Review status: criteria provided, single submitter. Criteria: Ambry Variant Classification Scheme 2023. Collection method: clinical testing. Allele origin: germline.
Comment: The p.N1616K variant (also known as c.4848C>A), located in coding exon 22 of the DICER1 gene, results from a C to A substitution at nucleotide position 4848. The asparagine at codon 1616 is replaced by lysine, an amino acid with similar properties. This amino acid position is conserved. In addition, this alteration is predicted to be tolerated by in silico analysis. Since supporting evidence is limited at this time, the clinical significance of this alteration remains unclear.

NM_177438.3(DICER1):c.4848C>A (p.Asn1616Lys)

Gene: DICER1 (dicer 1, ribonuclease III; minus strand). Cytogenetic location: 14q32.13.
Variant type: single nucleotide variant.
Coding change: c.4848C>A on transcript NM_177438.3 (MANE Select); coding-DNA position 4848, C replaced by A.
Protein change: p.Asn1616Lys; replaces asparagine 1616 with lysine.
Molecular consequence: missense variant. On other transcripts: non-coding transcript variant (6).
Genome position (GRCh38, 1-based): chr14:95,096,072, G>T on the plus strand (C>A on the coding strand, the complement: DICER1 is on the minus strand). VCF-style: chr14-95096072-G-T. GRCh37 (hg19) VCF-style: chr14-95562409-G-T.
Other names: c.4848C>A, p.Asn1616Lys (NM_001195573.1, NM_001271282.3, NM_001291628.2 and 13 more transcripts); c.4566C>A, p.Asn1522Lys (NM_001395686.1); c.4443C>A, p.Asn1481Lys (NM_001395687.1, NM_001395688.1, NM_001395689.1 and 2 more transcripts); c.4281C>A, p.Asn1427Lys (NM_001395691.1); c.3165C>A, p.Asn1055Lys (NM_001395697.1); short protein forms N1055K, N1616K, N1481K, N1522K, N1427K.
Identifiers: ClinVar variation 2566154 (VCV002566154.2), dbSNP rs1890294315, ClinGen allele CA390866767.